The following is an entry in ClinVar:

ClinVar aggregate classification (germline): Pathogenic (1 of 4 stars; one submission).

Conditions:
Retinitis pigmentosa 39 (RP39). Identifiers: Orphanet 791, MedGen C3151138, MONDO:0013436, OMIM 613809.

Submission:

Centre for Human Genetics, University of Kinshasa
Classification: Pathogenic for Retinitis pigmentosa 39. Last evaluated: 2024-03-07. Review status: criteria provided, single submitter. Criteria: ACMG/ClinGen CNV Guidelines, 2019. Collection method: research. Allele origin: unknown. Inheritance: Autosomal recessive inheritance. Affected: no. Observed: 1 compound heterozygote.
Comment: The variants in a gene (USH2A) are previously associated with Retinitis pigmentosa 39 and Usher syndrome, type 2A. Both breakpoints are within the coding region of same gene (gene-level sequence variant). This ~8kb loss variant has not been previously reported and is absent from the gnomAD CNVs v4.1.0 in a region of good sequencing coverage. Based on the available evidence and application of ACMG criteria, found to be Haploinsufficient by Clingen but related only to recessive conditions, this loss variant is classified as pathogenic for USH2A-related retinitis pigmentosa. This variant was assumed to be in trans with the nonsense variant NM_206933.4:c.5117G>A (p.Trp1706Ter) on the other chromosome, matching with the known mode of inheritance and with the compound heterozygosity as the most likely genotype.

NM_206933.4(USH2A):c.12295-1344_14133+1996del

Gene: USH2A (usherin; minus strand). Cytogenetic location: 1q41.
Variant type: Deletion.
Coding change: c.12295-1344_14133+1996del on transcript NM_206933.4 (MANE Select); 1344 bases into the intron before coding-DNA position 12295 through 1996 bases into the intron after coding-DNA position 14133, 7,985 bases deleted.
Molecular consequence: splice acceptor variant, splice donor variant.
Genome position (GRCh38, 1-based): chr1:215,668,976-215,676,960, 7,985 bases deleted. GRCh37 (hg19): chr1:215,842,319-215,850,303.
Identifiers: ClinVar variation 3341290 (VCV003341290.1).